The following is an entry in ClinVar:

NM_182961.4(SYNE1):c.2360C>A (p.Ala787Glu)

Gene: SYNE1 (spectrin repeat containing nuclear envelope protein 1; minus strand). Cytogenetic location: 6q25.2.
Variant type: single nucleotide variant.
Coding change: c.2360C>A on transcript NM_182961.4 (MANE Select); coding-DNA position 2360, C replaced by A.
Protein change: p.Ala787Glu; replaces alanine 787 with glutamic acid.
Molecular consequence: missense variant.
Genome position (GRCh38, 1-based): chr6:152,461,631, G>T on the plus strand (C>A on the coding strand, the complement: SYNE1 is on the minus strand). VCF-style: chr6-152461631-G-T. GRCh37 (hg19) VCF-style: chr6-152782766-G-T.
Other names: c.2381C>A, p.Ala794Glu (NM_033071.5); short protein forms A787E, A794E.
Identifiers: ClinVar variation 2657036 (VCV002657036.24), dbSNP rs147406318, ClinGen allele CA4059163.

ClinVar aggregate classification (germline): Uncertain significance (1 of 4 stars; one submission).

Allele frequency attached by ClinVar (database versions not stated): ESP Exome Variant Server 0.00015.
gnomAD v4.1: 128 of 1,613,754 alleles (0.0079%); highest among the groups gnomAD compares: Non-Finnish European, 0.011%; no homozygotes.

Submission:

CeGaT Center for Human Genetics Tuebingen
Classification: Uncertain significance. Last evaluated: 2024-10-01. Review status: criteria provided, single submitter. Criteria: CeGaT Center For Human Genetics Tuebingen Variant Classification Criteria Version 2. Collection method: clinical testing. Allele origin: germline. Affected: yes. Observed: 3 variant alleles.
Comment: SYNE1: PM2